The following is an entry in ClinVar:

ClinVar aggregate classification (germline): Uncertain significance (1 of 4 stars; one submission).

Conditions:
Arginase deficiency. Also called: ARGININEMIA; ARG1 DEFICIENCY; Arginase 1 Deficiency. Identifiers: Orphanet 90, MedGen C0268548, MONDO:0008814, OMIM 207800.

Submission:

Labcorp Genetics (formerly Invitae), Labcorp
Classification: Uncertain significance for Arginase deficiency. Last evaluated: 2021-12-08. Review status: criteria provided, single submitter. Criteria: Invitae Variant Classification Sherloc (09022015). Collection method: clinical testing. Allele origin: germline.
Comment: This sequence change replaces phenylalanine, which is neutral and non-polar, with serine, which is neutral and polar, at codon 147 of the ARG1 protein (p.Phe147Ser). This variant is not present in population databases (gnomAD no frequency). This variant has not been reported in the literature in individuals affected with ARG1-related conditions. Algorithms developed to predict the effect of missense changes on protein structure and function (SIFT, PolyPhen-2, Align-GVGD) all suggest that this variant is likely to be disruptive. In summary, the available evidence is currently insufficient to determine the role of this variant in disease. Therefore, it has been classified as a Variant of Uncertain Significance.

NM_000045.4(ARG1):c.440T>C (p.Phe147Ser)

Genes: ARG1 (arginase 1; plus strand), MED23 (mediator complex subunit 23; minus strand). Cytogenetic location: 6q23.2.
Variant type: single nucleotide variant.
Coding change: c.440T>C on transcript NM_000045.4 (MANE Select); coding-DNA position 440, T replaced by C.
Protein change: p.Phe147Ser; replaces phenylalanine 147 with serine.
Molecular consequence: missense variant. On other transcripts: non-coding transcript variant (1), intron variant (3).
Genome position (GRCh38, 1-based): chr6:131,581,353, T>C. VCF-style: chr6-131581353-T-C. GRCh37 (hg19) VCF-style: chr6-131902493-T-C.
Other names: c.464T>C, p.Phe155Ser (NM_001244438.2); c.306-1707T>C (NM_001369020.1); c.4077+6356A>G (NM_001270521.2); c.4095+6356A>G (NM_015979.4); short protein forms F155S, F147S.
Identifiers: ClinVar variation 2037254 (VCV002037254.4), dbSNP rs2482370000, ClinGen allele CA365651166.